The following is an entry in ClinVar:

NM_001367624.2(ZNF469):c.1093C>A (p.Pro365Thr)

Gene: ZNF469 (zinc finger protein 469; plus strand). Cytogenetic location: 16q24.2.
Variant type: single nucleotide variant.
Coding change: c.1093C>A on transcript NM_001367624.2 (MANE Select); coding-DNA position 1093, C replaced by A.
Protein change: p.Pro365Thr; replaces proline 365 with threonine.
Molecular consequence: missense variant.
Genome position (GRCh38, 1-based): chr16:88,428,563, C>A. VCF-style: chr16-88428563-C-A. GRCh37 (hg19) VCF-style: chr16-88494971-C-A.
Other names: NM_001127464.1:c.1093C>A; short protein forms P365T.
Identifiers: ClinVar variation 3232734 (VCV003232734.1), dbSNP rs2507573693, ClinGen allele CA397063119.

ClinVar aggregate classification (germline): Uncertain significance (1 of 4 stars; one submission).

Conditions:
Cardiovascular phenotype. Identifiers: MedGen CN230736.

Submission:

Ambry Genetics
Classification: Uncertain significance for Cardiovascular phenotype. Last evaluated: 2024-01-01. Review status: criteria provided, single submitter. Criteria: Ambry Variant Classification Scheme 2023. Collection method: clinical testing. Allele origin: germline.
Comment: The p.P365T variant (also known as c.1093C>A), located in coding exon 1 of the ZNF469 gene, results from a C to A substitution at nucleotide position 1093. The proline at codon 365 is replaced by threonine, an amino acid with highly similar properties. This amino acid position is conserved. In addition, this alteration is predicted to be tolerated by in silico analysis. Since supporting evidence is limited at this time, the clinical significance of this alteration remains unclear.